The following is an entry in ClinVar:

ClinVar aggregate classification (germline): Uncertain significance (1 of 4 stars; one submission).

Allele frequency attached by ClinVar (database versions not stated): gnomAD 0.00003; TOPMed 0.00003; 1000 Genomes Project 30x 0.00016; 1000 Genomes Project 0.00020.
gnomAD v4.1: 14 of 1,613,976 alleles (0.00087%); highest among the groups gnomAD compares: African/African-American, 0.0053%; no homozygotes.

Submission:

Labcorp Genetics (formerly Invitae), Labcorp
Classification: Uncertain significance. Last evaluated: 2023-10-15. Review status: criteria provided, single submitter. Criteria: Invitae Variant Classification Sherloc (09022015). Collection method: clinical testing. Allele origin: germline.
Comment: This sequence change replaces arginine, which is basic and polar, with glutamine, which is neutral and polar, at codon 508 of the LAMB1 protein (p.Arg508Gln). This variant is present in population databases (rs371601447, gnomAD 0.008%). This variant has not been reported in the literature in individuals affected with LAMB1-related conditions. An algorithm developed to predict the effect of missense changes on protein structure and function (PolyPhen-2) suggests that this variant is likely to be disruptive. In summary, the available evidence is currently insufficient to determine the role of this variant in disease. Therefore, it has been classified as a Variant of Uncertain Significance.

NM_002291.3(LAMB1):c.1523G>A (p.Arg508Gln)

Gene: LAMB1 (laminin subunit beta 1; minus strand). Cytogenetic location: 7q31.1.
Variant type: single nucleotide variant.
Coding change: c.1523G>A on transcript NM_002291.3 (MANE Select); coding-DNA position 1523, G replaced by A.
Protein change: p.Arg508Gln; replaces arginine 508 with glutamine.
Molecular consequence: missense variant.
Genome position (GRCh38, 1-based): chr7:107,973,031, C>T on the plus strand (G>A on the coding strand, the complement: LAMB1 is on the minus strand). VCF-style: chr7-107973031-C-T. GRCh37 (hg19) VCF-style: chr7-107613476-C-T.
Other names: short protein forms R508Q.
Identifiers: ClinVar variation 3014511 (VCV003014511.3), dbSNP rs371601447, ClinGen allele CA4435997.